The following is an entry in ClinVar:

ClinVar aggregate classification (germline): Uncertain significance (1 of 4 stars; one submission).

Conditions:
Familial thoracic aortic aneurysm and aortic dissection (TAAD). Also called: Thoracic aortic aneurysms and dissections. Identifiers: Orphanet 91387, MedGen C4707243, MONDO:0019625.

gnomAD v4.1: 1 of 1,613,334 alleles (0.000062%); highest among the groups gnomAD compares: Non-Finnish European, 0.000085%; no homozygotes.

Submission:

Ambry Genetics
Classification: Uncertain significance for Familial thoracic aortic aneurysm and aortic dissection. Last evaluated: 2024-07-07. Review status: criteria provided, single submitter. Criteria: Ambry Variant Classification Scheme 2023. Collection method: clinical testing. Allele origin: germline.
Comment: The p.G1814A variant (also known as c.5441G>C), located in coding exon 29 of the NOTCH1 gene, results from a G to C substitution at nucleotide position 5441. The glycine at codon 1814 is replaced by alanine, an amino acid with similar properties. This amino acid position is conserved. In addition, the in silico prediction for this alteration is inconclusive. Since supporting evidence is limited at this time, the clinical significance of this alteration remains unclear.

NM_017617.5(NOTCH1):c.5441G>C (p.Gly1814Ala)

Gene: NOTCH1 (notch receptor 1; minus strand). Cytogenetic location: 9q34.3.
Variant type: single nucleotide variant.
Coding change: c.5441G>C on transcript NM_017617.5 (MANE Select); coding-DNA position 5441, G replaced by C.
Protein change: p.Gly1814Ala; replaces glycine 1814 with alanine.
Molecular consequence: missense variant.
Genome position (GRCh38, 1-based): chr9:136,502,032, C>G on the plus strand (G>C on the coding strand, the complement: NOTCH1 is on the minus strand). VCF-style: chr9-136502032-C-G. GRCh37 (hg19) VCF-style: chr9-139396484-C-G.
Other names: short protein forms G1814A.
Identifiers: ClinVar variation 1747557 (VCV001747557.3), dbSNP rs768161812, ClinGen allele CA375639972.